The following is an entry in ClinVar:

NM_019032.6(ADAMTSL4):c.3162_3163insT (p.Thr1055fs)

Gene: ADAMTSL4 (ADAMTS like 4; plus strand). Cytogenetic location: 1q21.2.
Variant type: Insertion.
Coding change: c.3162_3163insT on transcript NM_019032.6 (MANE Select); coding-DNA positions 3162 to 3163, T inserted.
Protein change: p.Thr1055fs; shifts the reading frame from threonine 1055.
Molecular consequence: frameshift variant.
Genome position: GRCh38 VCF-style: chr1-150560133-C-CT. GRCh37 (hg19) VCF-style: chr1-150532609-C-CT.
Other names: c.3045_3046insT, p.Thr1016fs (NM_001288607.2); c.3231_3232insT, p.Thr1078fs (NM_001288608.2); c.3162_3163insT, p.Thr1055fs (NM_001378596.1); short protein forms T1016fs, T1055fs, T1078fs.
Identifiers: ClinVar variation 2182234 (VCV002182234.1), dbSNP rs2526801643, ClinGen allele CA2574053894.

ClinVar aggregate classification (germline): Uncertain significance (1 of 4 stars; one submission).

Allele frequency attached by ClinVar (database versions not stated): gnomAD exomes below 0.00001.

Submission:

Labcorp Genetics (formerly Invitae), Labcorp
Classification: Uncertain significance. Last evaluated: 2022-08-01. Review status: criteria provided, single submitter. Criteria: Invitae Variant Classification Sherloc (09022015). Collection method: clinical testing. Allele origin: germline.
Comment: This sequence change results in a frameshift in the ADAMTSL4 gene (p.Thr1055Tyrfs*44). While this is not anticipated to result in nonsense mediated decay, it is expected to disrupt the last 20 amino acid(s) of the ADAMTSL4 protein and extend the protein by 23 additional amino acid residues. This variant is not present in population databases (gnomAD no frequency). This variant has not been reported in the literature in individuals affected with ADAMTSL4-related conditions. Experimental studies and prediction algorithms are not available or were not evaluated, and the functional significance of this variant is currently unknown. In summary, the available evidence is currently insufficient to determine the role of this variant in disease. Therefore, it has been classified as a Variant of Uncertain Significance.